The following is an entry in ClinVar:

NM_138694.4(PKHD1):c.3170G>A (p.Cys1057Tyr)

Gene: PKHD1 (PKHD1 ciliary IPT domain containing fibrocystin/polyductin; minus strand). Cytogenetic location: 6p12.2.
Variant type: single nucleotide variant.
Coding change: c.3170G>A on transcript NM_138694.4 (MANE Select); coding-DNA position 3170, G replaced by A.
Protein change: p.Cys1057Tyr; replaces cysteine 1057 with tyrosine.
Molecular consequence: missense variant.
Genome position (GRCh38, 1-based): chr6:52,035,649, C>T on the plus strand (G>A on the coding strand, the complement: PKHD1 is on the minus strand). VCF-style: chr6-52035649-C-T. GRCh37 (hg19) VCF-style: chr6-51900447-C-T.
Other names: c.3170G>A, p.Cys1057Tyr (NM_170724.3); short protein forms C1057Y.
Identifiers: ClinVar variation 1803276 (VCV001803276.3), dbSNP rs2532924598, ClinGen allele CA364441745.

ClinVar aggregate classification (germline): Uncertain significance. Review status: criteria provided, multiple submitters, no conflicts (2 of 4 stars). 2 submissions from 2 submitters: Uncertain significance (2). Last evaluated 2024-11-11.

Conditions:
PKHD1-related disorder. Also called: PKHD1-related condition.
Polycystic kidney disease 4 (PKD4). Also called: Autosomal Recessive Polycystic Kidney Disease – PKHD1; POLYCYSTIC KIDNEY AND HEPATIC DISEASE 1; POLYCYSTIC KIDNEY DISEASE, INFANTILE, TYPE I; PKD3; POLYCYSTIC KIDNEY DISEASE 4 WITH OR WITHOUT POLYCYSTIC LIVER DISEASE. Identifiers: MedGen C4540575, MONDO:0033004, OMIM 263200.

Submissions (2):

PreventionGenetics, part of Exact Sciences
Classification: Uncertain significance for PKHD1-related condition. Last evaluated: 2024-11-11. Review status: criteria provided, single submitter. Criteria: ACMG Guidelines, 2015. Collection method: clinical testing. Allele origin: germline.
Comment: The PKHD1 c.3170G>A variant is predicted to result in the amino acid substitution p.Cys1057Tyr. This variant was reported with a likely pathogenic missense variant c.8408G>A (p.Cys2803Tyr) in an individual with autosomal recessive polycystic kidney disease (ARPKD), but the phase was unknown (Park et al. 2016. PubMed ID: 26260382). This variant has not been reported in a large population database (gnomAD), indicating this variant is rare. Although we suspect that this variant may be pathogenic, at this time, the clinical significance of this variant is uncertain due to the absence of conclusive functional and genetic evidence.

Genetics and Molecular Pathology, SA Pathology
Classification: Uncertain significance for Polycystic kidney disease 4. Last evaluated: 2020-05-19. Review status: criteria provided, single submitter. Criteria: ACMG Guidelines, 2015. Collection method: clinical testing. Allele origin: germline. Inheritance: Autosomal recessive inheritance. Affected: yes.